The following is an entry in ClinVar:

NM_000455.5(STK11):c.291-18C>T

Gene: STK11 (serine/threonine kinase 11; plus strand). Cytogenetic location: 19p13.3.
Variant type: single nucleotide variant.
Coding change: c.291-18C>T on transcript NM_000455.5 (MANE Select); 18 bases into the intron before coding-DNA position 291, C replaced by T.
Molecular consequence: intron variant.
Genome position (GRCh38, 1-based): chr19:1,218,399, C>T. VCF-style: chr19-1218399-C-T. GRCh37 (hg19) VCF-style: chr19-1218398-C-T.
Identifiers: ClinVar variation 509299 (VCV000509299.6), dbSNP rs1176351456, ClinGen allele CA631031675.

ClinVar aggregate classification (germline): Likely benign. Review status: criteria provided, multiple submitters, no conflicts (2 of 4 stars). 3 submissions from 3 submitters: Likely benign (3). Last evaluated 2025-12-22.

Conditions:
Peutz-Jeghers syndrome (PJS). Also called: Peutz-Jeghers polyposis; Periorificial lentiginosis syndrome; POLYPOSIS, HAMARTOMATOUS INTESTINAL; POLYPS-AND-SPOTS SYNDROME. Identifiers: Orphanet 2869, MedGen C0031269, MeSH D010580, MONDO:0008280, OMIM 175200.

Allele frequency attached by ClinVar (database versions not stated): gnomAD exomes below 0.00001; gnomAD 0.00001 and 0.00002; TOPMed 0.00002.
gnomAD v4.1: 10 of 1,610,060 alleles (0.00062%); highest among the groups gnomAD compares: African/African-American, 0.0093%; no homozygotes.

Submissions (3):

Labcorp Genetics (formerly Invitae), Labcorp
Classification: Likely benign for Peutz-Jeghers syndrome. Last evaluated: 2025-12-22. Review status: criteria provided, single submitter. Criteria: Invitae Variant Classification Sherloc (09022015). Collection method: clinical testing. Allele origin: germline.

Myriad Genetics, Inc.
Classification: Likely benign for Peutz-Jeghers syndrome. Last evaluated: 2025-03-25. Review status: criteria provided, single submitter. Criteria: Myriad Autosomal Dominant, Autosomal Recessive and X-Linked Classification Criteria (2023). Collection method: clinical testing. Allele origin: unknown.
Comment: This variant is considered likely benign. This variant is intronic and is not expected to impact mRNA splicing.

GeneDx
Classification: Likely benign. Last evaluated: 2017-05-01. Review status: criteria provided, single submitter. Criteria: GeneDx Variant Classification (06012015). Collection method: clinical testing. Allele origin: germline. Affected: yes.
Comment: This variant is considered likely benign or benign based on one or more of the following criteria: it is a conservative change, it occurs at a poorly conserved position in the protein, it is predicted to be benign by multiple in silico algorithms, and/or has population frequency not consistent with disease.